The following is an entry in ClinVar:

NM_006361.6(HOXB13):c.679C>G (p.Gln227Glu)

Gene: HOXB13 (homeobox B13; minus strand). Cytogenetic location: 17q21.32.
Variant type: single nucleotide variant.
Coding change: c.679C>G on transcript NM_006361.6 (MANE Select); coding-DNA position 679, C replaced by G.
Protein change: p.Gln227Glu; replaces glutamine 227 with glutamic acid.
Molecular consequence: missense variant.
Genome position (GRCh38, 1-based): chr17:48,726,966, G>C on the plus strand (C>G on the coding strand, the complement: HOXB13 is on the minus strand). VCF-style: chr17-48726966-G-C. GRCh37 (hg19) VCF-style: chr17-46804328-G-C.
Other names: short protein forms Q227E.
Identifiers: ClinVar variation 483531 (VCV000483531.15), dbSNP rs781634127, ClinGen allele CA8633928.

ClinVar aggregate classification (germline): Uncertain significance. Review status: criteria provided, multiple submitters, no conflicts (2 of 4 stars). 2 submissions from 2 submitters: Uncertain significance (2). Last evaluated 2025-10-23.

Conditions:
Hereditary cancer-predisposing syndrome. Also called: Neoplastic Syndromes, Hereditary; Tumor predisposition; Hereditary Cancer Syndrome; Hereditary neoplastic syndrome. Identifiers: Orphanet 140162, MedGen C0027672, MeSH D009386, MONDO:0015356.

Allele frequency attached by ClinVar (database versions not stated): gnomAD exomes below 0.00001 and 0.00001; ExAC 0.00002; TOPMed 0.00002; gnomAD 0.00003 and 0.00004.

Submissions (2):

Labcorp Genetics (formerly Invitae), Labcorp
Classification: Uncertain significance. Last evaluated: 2025-10-23. Review status: criteria provided, single submitter. Criteria: Invitae Variant Classification Sherloc (09022015). Collection method: clinical testing. Allele origin: germline.
Comment: This sequence change replaces glutamine, which is neutral and polar, with glutamic acid, which is acidic and polar, at codon 227 of the HOXB13 protein (p.Gln227Glu). This variant is present in population databases (rs781634127, gnomAD 0.01%). This variant has not been reported in the literature in individuals affected with HOXB13-related conditions. ClinVar contains an entry for this variant (Variation ID: 483531). Invitae Evidence Modeling of protein sequence and biophysical properties (such as structural, functional, and spatial information, amino acid conservation, physicochemical variation, residue mobility, and thermodynamic stability) indicates that this missense variant is expected to disrupt HOXB13 protein function with a positive predictive value of 80%. In summary, the available evidence is currently insufficient to determine the role of this variant in disease. Therefore, it has been classified as a Variant of Uncertain Significance.

Ambry Genetics
Classification: Uncertain significance for Hereditary cancer-predisposing syndrome. Last evaluated: 2024-01-31. Review status: criteria provided, single submitter. Criteria: Ambry Variant Classification Scheme 2023. Collection method: clinical testing. Allele origin: germline.
Comment: The p.Q227E variant (also known as c.679C>G), located in coding exon 2 of the HOXB13 gene, results from a C to G substitution at nucleotide position 679. The glutamine at codon 227 is replaced by glutamic acid, an amino acid with highly similar properties. This amino acid position is highly conserved in available vertebrate species. In addition, this alteration is predicted to be deleterious by in silico analysis. Since supporting evidence is limited at this time, the clinical significance of this alteration remains unclear.